The following is an entry in ClinVar:

NM_005732.4(RAD50):c.3427A>T (p.Ile1143Phe)

Genes: TH2LCRR (T helper type 2 locus control region associated RNA; minus strand), RAD50 (RAD50 double strand break repair protein; plus strand), TH2-LCR (Th2 cytokine locus control region; plus strand). Cytogenetic location: 5q31.1.
Variant type: single nucleotide variant.
Coding change: c.3427A>T on transcript NM_005732.4 (MANE Select); coding-DNA position 3427, A replaced by T.
Protein change: p.Ile1143Phe; replaces isoleucine 1143 with phenylalanine.
Molecular consequence: missense variant.
Genome position (GRCh38, 1-based): chr5:132,637,152, A>T. VCF-style: chr5-132637152-A-T. GRCh37 (hg19) VCF-style: chr5-131972844-A-T.
Other names: short protein forms I1143F.
Identifiers: ClinVar variation 1731313 (VCV001731313.2), dbSNP rs1554100861, ClinGen allele CA360930138.

ClinVar aggregate classification (germline): Uncertain significance (1 of 4 stars; one submission).

Conditions:
Hereditary cancer-predisposing syndrome. Also called: Neoplastic Syndromes, Hereditary; Tumor predisposition; Hereditary Cancer Syndrome; Hereditary neoplastic syndrome. Identifiers: Orphanet 140162, MedGen C0027672, MeSH D009386, MONDO:0015356.

Submission:

Ambry Genetics
Classification: Uncertain significance for Hereditary cancer-predisposing syndrome. Last evaluated: 2022-05-17. Review status: criteria provided, single submitter. Criteria: Ambry Variant Classification Scheme 2023. Collection method: clinical testing. Allele origin: germline.
Comment: The p.I1143F variant (also known as c.3427A>T), located in coding exon 22 of the RAD50 gene, results from an A to T substitution at nucleotide position 3427. The isoleucine at codon 1143 is replaced by phenylalanine, an amino acid with highly similar properties. This amino acid position is conserved. In addition, this alteration is predicted to be deleterious by in silico analysis. Since supporting evidence is limited at this time, the clinical significance of this alteration remains unclear.